The following is an entry in ClinVar:

ClinVar aggregate classification (germline): Uncertain significance (1 of 4 stars; one submission).

Conditions:
Cardiovascular phenotype. Identifiers: MedGen CN230736.

Submission:

Ambry Genetics
Classification: Uncertain significance for Cardiovascular phenotype. Last evaluated: 2025-02-27. Review status: criteria provided, single submitter. Criteria: Ambry Variant Classification Scheme 2023. Collection method: clinical testing. Allele origin: germline.
Comment: The p.N713S variant (also known as c.2138A>G), located in coding exon 16 of the MYH6 gene, results from an A to G substitution at nucleotide position 2138. The asparagine at codon 713 is replaced by serine, an amino acid with highly similar properties. This amino acid position is conserved. In addition, this alteration is predicted to be tolerated by in silico analysis. Based on the available evidence, the clinical significance of this variant remains unclear.

NM_002471.4(MYH6):c.2138A>G (p.Asn713Ser)

Gene: MYH6 (myosin heavy chain 6; minus strand). Cytogenetic location: 14q11.2.
Variant type: single nucleotide variant.
Coding change: c.2138A>G on transcript NM_002471.4 (MANE Select); coding-DNA position 2138, A replaced by G.
Protein change: p.Asn713Ser; replaces asparagine 713 with serine.
Molecular consequence: missense variant.
Genome position (GRCh38, 1-based): chr14:23,396,993, T>C on the plus strand (A>G on the coding strand, the complement: MYH6 is on the minus strand). VCF-style: chr14-23396993-T-C. GRCh37 (hg19) VCF-style: chr14-23866202-T-C.
Other names: short protein forms N713S.
Identifiers: ClinVar variation 3876466 (VCV003876466.1).